The following is an entry in ClinVar:

NM_001376.5(DYNC1H1):c.7343A>C (p.Asp2448Ala)

Gene: DYNC1H1 (dynein cytoplasmic 1 heavy chain 1; plus strand). Cytogenetic location: 14q32.31.
Variant type: single nucleotide variant.
Coding change: c.7343A>C on transcript NM_001376.5 (MANE Select); coding-DNA position 7343, A replaced by C.
Protein change: p.Asp2448Ala; replaces aspartic acid 2448 with alanine.
Molecular consequence: missense variant.
Genome position (GRCh38, 1-based): chr14:102,015,956, A>C. VCF-style: chr14-102015956-A-C. GRCh37 (hg19) VCF-style: chr14-102482293-A-C.
Other names: short protein forms D2448A.
Identifiers: ClinVar variation 4802060 (VCV004802060.1).

ClinVar aggregate classification (germline): Uncertain significance (1 of 4 stars; one submission).

Conditions:
Charcot-Marie-Tooth disease axonal type 2O. Also called: CHARCOT-MARIE-TOOTH NEUROPATHY, AXONAL, TYPE 2O; CHARCOT-MARIE-TOOTH DISEASE, AXONAL, AUTOSOMAL DOMINANT, TYPE 2O; Charcot-Marie-Tooth Neuropathy Type 2O; Charcot-Marie-Tooth disease, axonal, type 20. Identifiers: Orphanet 284232, MedGen C3280220, MONDO:0013644, OMIM 614228.

Submission:

Labcorp Genetics (formerly Invitae), Labcorp
Classification: Uncertain significance for Charcot-Marie-Tooth disease axonal type 2O. Last evaluated: 2026-01-19. Review status: criteria provided, single submitter. Criteria: Invitae Variant Classification Sherloc (09022015). Collection method: clinical testing. Allele origin: germline.
Comment: This sequence change replaces aspartic acid, which is acidic and polar, with alanine, which is neutral and non-polar, at codon 2448 of the DYNC1H1 protein (p.Asp2448Ala). This variant is not present in population databases (gnomAD no frequency). This variant has not been reported in the literature in individuals affected with DYNC1H1-related conditions. Invitae Evidence Modeling of protein sequence and biophysical properties (such as structural, functional, and spatial information, amino acid conservation, physicochemical variation, residue mobility, and thermodynamic stability) has been performed for this missense variant. However, the output from this modeling did not meet the statistical confidence thresholds required to predict the impact of this variant on DYNC1H1 protein function. In summary, the available evidence is currently insufficient to determine the role of this variant in disease. Therefore, it has been classified as a Variant of Uncertain Significance.